The following is an entry in ClinVar:

ClinVar aggregate classification (germline): Uncertain significance (1 of 4 stars; one submission).

Conditions:
Cardiovascular phenotype. Identifiers: MedGen CN230736.

Submission:

Ambry Genetics
Classification: Uncertain significance for Cardiovascular phenotype. Last evaluated: 2026-04-12. Review status: criteria provided, single submitter. Criteria: Ambry Variant Classification Scheme 2023. Collection method: clinical testing. Allele origin: germline.
Comment: The p.S2895L variant (also known as c.8684C>T), located in coding exon 38 of the ANK2 gene, results from a C to T substitution at nucleotide position 8684. The serine at codon 2895 is replaced by leucine, an amino acid with dissimilar properties. This amino acid position is conserved. In addition, this alteration is predicted to be tolerated by in silico analysis. Based on the available evidence, the clinical significance of this variant remains unclear.

NM_001148.6(ANK2):c.8684C>T (p.Ser2895Leu)

Gene: ANK2 (ankyrin 2; plus strand). Cytogenetic location: 4q26.
Variant type: single nucleotide variant.
Coding change: c.8684C>T on transcript NM_001148.6 (MANE Select); coding-DNA position 8684, C replaced by T.
Protein change: p.Ser2895Leu; replaces serine 2895 with leucine.
Molecular consequence: missense variant. On other transcripts: intron variant (68).
Genome position (GRCh38, 1-based): chr4:113,357,302, C>T. VCF-style: chr4-113357302-C-T. GRCh37 (hg19) VCF-style: chr4-114278458-C-T.
Other names: c.4397-3521C>T (NM_001354239.2, NM_001354252.2); c.4298-3521C>T (NM_001354272.2); c.4361-3521C>T (NM_001354244.2, NM_001354256.2, NM_001386161.1); c.4400-3521C>T (NM_001127493.3); c.4406-3521C>T (NM_001354230.2); c.4469-3521C>T (NM_001354231.2, NM_001354242.2); c.4472-3521C>T (NM_001386144.1, NM_001354240.2, NM_001354241.2); c.1991-3521C>T (NM_001354279.2, NM_001354282.2); and 35 more; short protein forms S1695L, S2817L, S2895L, S2934L, S2942L.
Identifiers: ClinVar variation 4858146 (VCV004858146.1).